The following is an entry in ClinVar:

ClinVar aggregate classification (germline): Uncertain significance (1 of 4 stars; one submission).

Conditions:
Adenylosuccinate lyase deficiency (ADSLD). Also called: ADSL DEFICIENCY. Identifiers: Orphanet 46, MedGen C0268126, MONDO:0007068, OMIM 103050.

Allele frequency attached by ClinVar (database versions not stated): gnomAD 0.00003; TOPMed 0.00004; ExAC 0.00005; 1000 Genomes Project 30x 0.00016; 1000 Genomes Project 0.00020.
gnomAD v4.1: 216 of 1,600,418 alleles (0.013%); highest among the groups gnomAD compares: Non-Finnish European, 0.018%; no homozygotes.

Submission:

Labcorp Genetics (formerly Invitae), Labcorp
Classification: Uncertain significance for Adenylosuccinate lyase deficiency. Last evaluated: 2021-02-01. Review status: criteria provided, single submitter. Criteria: Invitae Variant Classification Sherloc (09022015). Collection method: clinical testing. Allele origin: germline.
Comment: This variant occurs in a non-coding region of the ADSL gene. It does not change the encoded amino acid sequence of the ADSL protein. This variant is present in population databases (rs200713871, ExAC 0.008%). This variant has not been reported in the literature in individuals with ADSL-related conditions. Experimental studies and prediction algorithms are not available or were not evaluated, and the functional significance of this variant is currently unknown. In summary, the available evidence is currently insufficient to determine the role of this variant in disease. Therefore, it has been classified as a Variant of Uncertain Significance.

NM_000026.4(ADSL):c.-11G>T

Gene: ADSL (adenylosuccinate lyase; plus strand). Cytogenetic location: 22q13.1.
Variant type: single nucleotide variant.
Coding change: c.-11G>T on transcript NM_000026.4 (MANE Select); 11 bases upstream of the start codon, G replaced by T.
Molecular consequence: 5 prime UTR variant. On other transcripts: non-coding transcript variant (1).
Genome position (GRCh38, 1-based): chr22:40,346,548, G>T. VCF-style: chr22-40346548-G-T. GRCh37 (hg19) VCF-style: chr22-40742552-G-T.
Other names: c.-11G>T (NM_001123378.3, NM_001363840.3); c.-148G>T (NM_001317923.2).
Identifiers: ClinVar variation 1451032 (VCV001451032.3), dbSNP rs200713871, ClinGen allele CA10247572.